The following is an entry in ClinVar:

NM_020066.5(FMN2):c.4875G>A (p.Glu1625=)

Gene: FMN2 (formin 2; plus strand). Cytogenetic location: 1q43.
Variant type: single nucleotide variant.
Coding change: c.4875G>A on transcript NM_020066.5 (MANE Select); coding-DNA position 4875, G replaced by A.
Protein change: p.Glu1625=; no amino-acid change (glutamic acid 1625 retained).
Molecular consequence: synonymous variant.
Genome position (GRCh38, 1-based): chr1:240,392,527, G>A. VCF-style: chr1-240392527-G-A. GRCh37 (hg19) VCF-style: chr1-240555827-G-A.
Other names: c.4887G>A, p.Glu1629= (NM_001305424.2); c.2703G>A, p.Glu901= (NM_001348094.2).
Identifiers: ClinVar variation 2640206 (VCV002640206.24), dbSNP rs1352980512, ClinGen allele CA424287433.

ClinVar aggregate classification (germline): Likely benign (1 of 4 stars; one submission).

Allele frequency attached by ClinVar (database versions not stated): gnomAD exomes below 0.00001.
gnomAD v4.1: 4 of 1,609,804 alleles (0.00025%); highest among the groups gnomAD compares: Middle Eastern, 0.033%; no homozygotes.

Submission:

CeGaT Center for Human Genetics Tuebingen
Classification: Likely benign. Last evaluated: 2023-03-01. Review status: criteria provided, single submitter. Criteria: CeGaT Center For Human Genetics Tuebingen Variant Classification Criteria Version 2. Collection method: clinical testing. Allele origin: germline. Affected: yes. Observed: 1 variant allele.
Comment: FMN2: BP4, BP7